The following is an entry in ClinVar:

NM_053025.4(MYLK):c.5059G>C (p.Glu1687Gln)

Genes: MYLK (myosin light chain kinase; minus strand), MYLK-AS1 (MYLK antisense RNA 1; plus strand), LOC126806791 (MED14-independent group 3 enhancer GRCh37_chr3:123347871-123349070; plus strand). Cytogenetic location: 3q21.1.
Variant type: single nucleotide variant.
Coding change: c.5059G>C on transcript NM_053025.4 (MANE Select); coding-DNA position 5059, G replaced by C.
Protein change: p.Glu1687Gln; replaces glutamic acid 1687 with glutamine.
Molecular consequence: missense variant. On other transcripts: non-coding transcript variant (2), intron variant (2).
Genome position (GRCh38, 1-based): chr3:123,629,529, C>G on the plus strand (G>C on the coding strand, the complement: MYLK is on the minus strand). VCF-style: chr3-123629529-C-G. GRCh37 (hg19) VCF-style: chr3-123348376-C-G.
Other names: c.4531G>C, p.Glu1511Gln (NM_001321309.2); c.4852G>C, p.Glu1618Gln (NM_053026.4); c.4755-2588G>C (NM_053028.4); c.4962-2588G>C (NM_053027.4); short protein forms E1511Q, E1687Q, E1618Q.
Identifiers: ClinVar variation 3297609 (VCV003297609.1).
Genomic context (GRCh38, chr3:123,629,529, plus strand): 5'-ATTACTTCATATCTTTCTTCAGCAGATTGCTGATGAAATCCTTGGCATCGTCGGAGATCT[C>G]ATCGAATGCCTCGTCGTCGAAGTCCCAGGTGGCTGAGGTAACGTTGGCCAAGGTTTCGTT-3'
Protein context (NP_444253.3, residues 1677-1697): TWDFDDEAFD[Glu1687Gln]ISDDAKDFIS

ClinVar aggregate classification (germline): Uncertain significance (1 of 4 stars; one submission).

Conditions:
Familial thoracic aortic aneurysm and aortic dissection (TAAD). Also called: Thoracic aortic aneurysms and dissections. Identifiers: Orphanet 91387, MedGen C4707243, MONDO:0019625.

Submission:

Ambry Genetics
Classification: Uncertain significance for Familial thoracic aortic aneurysm and aortic dissection. Last evaluated: 2024-05-19. Review status: criteria provided, single submitter. Criteria: Ambry Variant Classification Scheme 2023. Collection method: clinical testing. Allele origin: germline.
Comment: The p.E1687Q variant (also known as c.5059G>C), located in coding exon 27 of the MYLK gene, results from a G to C substitution at nucleotide position 5059. The glutamic acid at codon 1687 is replaced by glutamine, an amino acid with highly similar properties. This amino acid position is conserved. In addition, the in silico prediction for this alteration is inconclusive. Based on the available evidence, the clinical significance of this variant remains unclear.